The following is an entry in ClinVar:

ClinVar aggregate classification (germline): Uncertain significance. Review status: criteria provided, single submitter (1 of 4 stars). 2 submissions from 2 submitters: Uncertain significance (1). 1 of the submissions does not count toward it. Last evaluated 2021-09-01.

Conditions:
Deficiency of galactokinase. Also called: Galactokinase deficiency with cataracts; GALACTOSEMIA II. Identifiers: Orphanet 352, Orphanet 79237, MedGen C0268155, MONDO:0009255, OMIM 230200.

Allele frequency attached by ClinVar (database versions not stated): gnomAD exomes 0.00001 and 0.00002.

Submissions (2):

Labcorp Genetics (formerly Invitae), Labcorp
Classification: Uncertain significance for Deficiency of galactokinase. Last evaluated: 2021-09-01. Review status: criteria provided, single submitter. Criteria: Invitae Variant Classification Sherloc (09022015). Collection method: clinical testing. Allele origin: germline.
Comment: This sequence change replaces arginine with histidine at codon 342 of the GALK1 protein (p.Arg342His). The arginine residue is weakly conserved and there is a small physicochemical difference between arginine and histidine. This variant is not present in population databases (ExAC no frequency). This variant has not been reported in the literature in individuals affected with GALK1-related conditions. Algorithms developed to predict the effect of missense changes on protein structure and function are either unavailable or do not agree on the potential impact of this missense change (SIFT: "Tolerated"; PolyPhen-2: "Probably Damaging"; Align-GVGD: "Class C0"). In summary, the available evidence is currently insufficient to determine the role of this variant in disease. Therefore, it has been classified as a Variant of Uncertain Significance.

Natera, Inc.
Classification: Uncertain significance for Deficiency of galactokinase. Last evaluated: 2020-11-25. Review status: no assertion criteria provided. Collection method: clinical testing. Allele origin: germline. Not counted in ClinVar's aggregate classification.

NM_000154.2(GALK1):c.1025G>A (p.Arg342His)

Gene: GALK1 (galactokinase 1; minus strand). Cytogenetic location: 17q25.1.
Variant type: single nucleotide variant.
Coding change: c.1025G>A on transcript NM_000154.2 (MANE Select); coding-DNA position 1025, G replaced by A.
Protein change: p.Arg342His; replaces arginine 342 with histidine.
Molecular consequence: missense variant.
Genome position (GRCh38, 1-based): chr17:75,758,292, C>T on the plus strand (G>A on the coding strand, the complement: GALK1 is on the minus strand). VCF-style: chr17-75758292-C-T. GRCh37 (hg19) VCF-style: chr17-73754373-C-T.
Other names: c.1025G>A, p.Arg342His (NM_001381985.1); short protein forms R342H.
Identifiers: ClinVar variation 1001910 (VCV001001910.12), dbSNP rs867405975, ClinGen allele CA294087084.